The following is an entry in ClinVar:

NM_012258.4(HEY1):c.331+386_331+392del

Gene: HEY1 (hes related family bHLH transcription factor with YRPW motif 1; minus strand). Cytogenetic location: 8q21.13.
Variant type: Deletion.
Coding change: c.331+386_331+392del on transcript NM_012258.4 (MANE Select); bases 386 to 392 of the intron after coding-DNA position 331, 7 bases deleted (ACATGCC; older notation c.331+386_331+392delACATGCC).
Molecular consequence: intron variant. On other transcripts: frameshift variant (1), initiator codon variant (1).
Genome position (GRCh38, 1-based): chr8:79,766,259-79,766,265, GGCATGT deleted on the plus strand (ACATGCC on the coding strand, the reverse complement: HEY1 is on the minus strand); deleting any 7 consecutive bases within chr8:79,766,259-79,766,269 gives the same sequence; the c. name uses the placement nearest the transcript's 3' end. VCF-style (leftmost placement, unchanged base first): chr8-79766258-AGGCATGT-A. GRCh37 (hg19) VCF-style: chr8-80678493-AGGCATGT-A.
Other names: c.-2_5del, p.Met1fs (NM_001282851.2); c.343+386_343+392del (NM_001040708.2); c.-2_5del7 (NM_001282851.1); short protein forms M1fs.
Identifiers: ClinVar variation 1232147 (VCV001232147.6), dbSNP rs142613628, ClinGen allele CA4789729.

ClinVar aggregate classification (germline): Benign. Review status: criteria provided, single submitter (1 of 4 stars). 2 submissions from 2 submitters: Benign (1). 1 of the submissions does not count toward it. Last evaluated 2021-06-19.

Conditions:
HEY1-related disorder. Also called: HEY1-related condition.

Submissions (2):

GeneDx
Classification: Benign. Last evaluated: 2021-06-19. Review status: criteria provided, single submitter. Criteria: GeneDx Variant Classification Process June 2021. Collection method: clinical testing. Allele origin: germline. Affected: yes.

PreventionGenetics, part of Exact Sciences
Classification: Benign for HEY1-related condition. Last evaluated: 2019-02-22. Review status: no assertion criteria provided. Collection method: clinical testing. Allele origin: germline. Not counted in ClinVar's aggregate classification.
Comment: This variant is classified as benign based on ACMG/AMP sequence variant interpretation guidelines (Richards et al. 2015 PMID: 25741868, with internal and published modifications).